The following is an entry in ClinVar:

NM_003079.5(SMARCE1):c.1166C>T (p.Ser389Leu)

Gene: SMARCE1 (SWI/SNF related BAF chromatin remodeling complex subunit E1; minus strand). Cytogenetic location: 17q21.2.
Variant type: single nucleotide variant.
Coding change: c.1166C>T on transcript NM_003079.5 (MANE Select); coding-DNA position 1166, C replaced by T.
Protein change: p.Ser389Leu; replaces serine 389 with leucine.
Molecular consequence: missense variant.
Genome position (GRCh38, 1-based): chr17:40,628,855, G>A on the plus strand (C>T on the coding strand, the complement: SMARCE1 is on the minus strand). VCF-style: chr17-40628855-G-A. GRCh37 (hg19) VCF-style: chr17-38785107-G-A.
Other names: c.1166C>T (NM_003079.4); short protein forms S389L.
Identifiers: ClinVar variation 1011963 (VCV001011963.10), dbSNP rs376181802, ClinGen allele CA8545052.

ClinVar aggregate classification (germline): Uncertain significance. Review status: criteria provided, multiple submitters, no conflicts (2 of 4 stars). 3 submissions from 3 submitters: Uncertain significance (3). Last evaluated 2024-12-04.

Conditions:
Hereditary cancer-predisposing syndrome. Also called: Hereditary Cancer Syndrome; Tumor predisposition; Neoplastic Syndromes, Hereditary; Hereditary neoplastic syndrome. Identifiers: Orphanet 140162, MedGen C0027672, MeSH D009386, MONDO:0015356.
Familial meningioma. Also called: Meningioma, familial, susceptibility to. Identifiers: Orphanet 263662, MedGen C3551915, MONDO:0011789, OMIM 607174.

Allele frequency attached by ClinVar (database versions not stated): gnomAD exomes below 0.00001 and 0.00001; ExAC 0.00001; ESP Exome Variant Server 0.00008.
gnomAD v4.1: 5 of 1,613,720 alleles (0.00031%); highest among the groups gnomAD compares: South Asian, 0.0011%; no homozygotes.

Submissions (3):

Labcorp Genetics (formerly Invitae), Labcorp
Classification: Uncertain significance for Familial meningioma. Last evaluated: 2024-12-04. Review status: criteria provided, single submitter. Criteria: Invitae Variant Classification Sherloc (09022015). Collection method: clinical testing. Allele origin: germline.
Comment: This sequence change replaces serine, which is neutral and polar, with leucine, which is neutral and non-polar, at codon 389 of the SMARCE1 protein (p.Ser389Leu). This variant is present in population databases (rs376181802, gnomAD 0.002%). This variant has not been reported in the literature in individuals affected with SMARCE1-related conditions. ClinVar contains an entry for this variant (Variation ID: 1011963). An algorithm developed to predict the effect of missense changes on protein structure and function (PolyPhen-2) suggests that this variant is likely to be disruptive. In summary, the available evidence is currently insufficient to determine the role of this variant in disease. Therefore, it has been classified as a Variant of Uncertain Significance.

Ambry Genetics
Classification: Uncertain significance for Hereditary cancer-predisposing syndrome. Last evaluated: 2024-07-08. Review status: criteria provided, single submitter. Criteria: Ambry Variant Classification Scheme 2023. Collection method: clinical testing. Allele origin: germline.
Comment: The p.S389L variant (also known as c.1166C>T), located in coding exon 10 of the SMARCE1 gene, results from a C to T substitution at nucleotide position 1166. The serine at codon 389 is replaced by leucine, an amino acid with dissimilar properties. This amino acid position is conserved. In addition, this alteration is predicted to be tolerated by in silico analysis. Based on the available evidence, the clinical significance of this variant remains unclear.

Baylor Genetics
Classification: Uncertain significance for Familial meningioma. Last evaluated: 2023-07-14. Review status: criteria provided, single submitter. Criteria: ACMG Guidelines, 2015. Collection method: clinical testing. Allele origin: unknown.